The following is an entry in ClinVar:

NM_003919.3(SGCE):c.413C>G (p.Thr138Ser)

Genes: CASD1 (CAS1 domain sialic acid O acetyltransferase 1; plus strand), SGCE (sarcoglycan epsilon; minus strand). Cytogenetic location: 7q21.3.
Variant type: single nucleotide variant.
Coding change: c.413C>G on transcript NM_003919.3 (MANE Select); coding-DNA position 413, C replaced by G.
Protein change: p.Thr138Ser; replaces threonine 138 with serine.
Molecular consequence: missense variant.
Genome position (GRCh38, 1-based): chr7:94,623,375, G>C on the plus strand (C>G on the coding strand, the complement: SGCE is on the minus strand). VCF-style: chr7-94623375-G-C. GRCh37 (hg19) VCF-style: chr7-94252687-G-C.
Other names: c.413C>G, p.Thr138Ser (NM_001099400.2, NM_001099401.2, NM_001346717.2); c.290C>G, p.Thr97Ser (NM_001301139.2, NM_001362809.2); c.521C>G, p.Thr174Ser (NM_001346713.2, NM_001346715.2); c.326C>G, p.Thr109Ser (NM_001346719.2, NM_001362807.2); c.140C>G, p.Thr47Ser (NM_001346720.2, NM_001362808.2); short protein forms T174S, T109S, T138S, T97S, T47S.
Identifiers: ClinVar variation 646440 (VCV000646440.8), dbSNP rs777335847, ClinGen allele CA4348809.

ClinVar aggregate classification (germline): Uncertain significance (1 of 4 stars; one submission).

Conditions:
Myoclonic dystonia 11 (DYT11). Also called: Myoclonic dystonia; Dystonia 11; Dystonia, alcohol responsive; Hereditary essential myoclonus; SGCE Myoclonus-Dystonia; Myoclonus-Dystonia. Identifiers: Orphanet 36899, MedGen C1834570, MONDO:0008044, OMIM 159900.

Allele frequency attached by ClinVar (database versions not stated): TOPMed below 0.00001.
gnomAD v4.1: 6 of 1,605,680 alleles (0.00037%); highest among the groups gnomAD compares: Admixed American, 0.0084%; no homozygotes.

Submission:

Labcorp Genetics (formerly Invitae), Labcorp
Classification: Uncertain significance for Myoclonic dystonia 11. Last evaluated: 2024-05-15. Review status: criteria provided, single submitter. Criteria: Invitae Variant Classification Sherloc (09022015). Collection method: clinical testing. Allele origin: germline.
Comment: This sequence change replaces threonine, which is neutral and polar, with serine, which is neutral and polar, at codon 138 of the SGCE protein (p.Thr138Ser). This variant is present in population databases (rs777335847, gnomAD 0.01%). This variant has not been reported in the literature in individuals affected with SGCE-related conditions. ClinVar contains an entry for this variant (Variation ID: 646440). Advanced modeling of protein sequence and biophysical properties (such as structural, functional, and spatial information, amino acid conservation, physicochemical variation, residue mobility, and thermodynamic stability) performed at Invitae indicates that this missense variant is not expected to disrupt SGCE protein function with a negative predictive value of 80%. In summary, the available evidence is currently insufficient to determine the role of this variant in disease. Therefore, it has been classified as a Variant of Uncertain Significance.